The following is an entry in ClinVar:

ClinVar aggregate classification (germline): Likely pathogenic. Review status: criteria provided, single submitter (1 of 4 stars). 2 submissions from 2 submitters: Likely pathogenic (1). 1 of the submissions does not count toward it. Last evaluated 2019-08-05.

Conditions:
Cockayne syndrome type 2 (CSB). Also called: Cockayne Syndrome, Type II; COCKAYNE SYNDROME B. Identifiers: Orphanet 191, Orphanet 90322, MedGen C0751038, MONDO:0019570, OMIM 133540.

Submissions (2):

Myriad Genetics, Inc.
Classification: Likely pathogenic for Cockayne syndrome type 2. Last evaluated: 2019-08-05. Review status: criteria provided, single submitter. Criteria: Myriad Women's Health Autosomal Recessive and X-Linked Classification Criteria (2019). Collection method: clinical testing. Allele origin: unknown.
Comment: NM_000124.2(ERCC6):c.3655G>T(G1219*) is expected to be pathogenic in the context of ERCC6-related disorders. This variant is predicted to lead to an abnormal or absent protein product due to the creation of a premature termination codon in ERCC6, a gene where loss-of-function variants are known to be pathogenic. Please note: this variant was assessed in the context of healthy population screening.

Genetic Services Laboratory, University of Chicago
Classification: Likely pathogenic. Last evaluated: 2022-10-24. Review status: no assertion criteria provided. Collection method: clinical testing. Allele origin: germline. Affected: yes. Not counted in ClinVar's aggregate classification.
Comment: DNA sequence analysis of the ERCC6 gene demonstrated a sequence change, c.3655G>T, which results in the creation of a premature stop codon at amino acid position 1219, p.Gly1219*. This pathogenic sequence change is predicted to result in an abnormal transcript, which may be degraded, or may lead to the production of a truncated ERCC6 protein with potentially abnormal function. This sequence change has not been described in population databases such as ExAC and gnomAD. This sequence change has not been previously described in individuals with ERCC6-related disorders. These collective evidences indicate that this sequence change is likely pathogenic, however functional studies have not been performed to prove this conclusively.

NM_000124.4(ERCC6):c.3655G>T (p.Gly1219Ter)

Gene: ERCC6 (ERCC excision repair 6, chromatin remodeling factor; minus strand). Cytogenetic location: 10q11.23.
Variant type: single nucleotide variant.
Coding change: c.3655G>T on transcript NM_000124.4 (MANE Select); coding-DNA position 3655, G replaced by T.
Protein change: p.Gly1219Ter; replaces glycine 1219 with a stop codon.
Molecular consequence: nonsense.
Genome position (GRCh38, 1-based): chr10:49,470,305, C>A on the plus strand (G>T on the coding strand, the complement: ERCC6 is on the minus strand). VCF-style: chr10-49470305-C-A. GRCh37 (hg19) VCF-style: chr10-50678351-C-A.
Other names: c.3655G>T, p.Gly1219Ter (NM_001346440.2); c.3655G>T (NM_000124.2); short protein forms G1219*.
Identifiers: ClinVar variation 983684 (VCV000983684.5), dbSNP rs1850750513, ClinGen allele CA376713035.